The following is an entry in ClinVar:

NM_001365951.3(KIF1B):c.3466A>C (p.Lys1156Gln)

Gene: KIF1B (kinesin family member 1B; plus strand). Cytogenetic location: 1p36.22.
Variant type: single nucleotide variant.
Coding change: c.3466A>C on transcript NM_001365951.3 (MANE Select); coding-DNA position 3466, A replaced by C.
Protein change: p.Lys1156Gln; replaces lysine 1156 with glutamine.
Molecular consequence: missense variant.
Genome position (GRCh38, 1-based): chr1:10,339,812, A>C. VCF-style: chr1-10339812-A-C. GRCh37 (hg19) VCF-style: chr1-10399870-A-C.
Other names: c.3466A>C, p.Lys1156Gln (NM_001365952.1); c.3328A>C, p.Lys1110Gln (NM_015074.3); short protein forms K1110Q, K1156Q.
Identifiers: ClinVar variation 3226450 (VCV003226450.1), dbSNP rs2521737975, ClinGen allele CA338341055.

ClinVar aggregate classification (germline): Uncertain significance (1 of 4 stars; one submission).

Submission:

Ambry Genetics
Classification: Uncertain significance. Last evaluated: 2024-02-16. Review status: criteria provided, single submitter. Criteria: Ambry Variant Classification Scheme 2023. Collection method: clinical testing. Allele origin: germline.
Comment: The p.K1110Q variant (also known as c.3328A>C), located in coding exon 29 of the KIF1B gene, results from an A to C substitution at nucleotide position 3328. The lysine at codon 1110 is replaced by glutamine, an amino acid with similar properties. This amino acid position is conserved. In addition, the in silico prediction for this alteration is inconclusive. Based on the available evidence, the clinical significance of this alteration remains unclear.